The following is an entry in ClinVar:

NM_014845.6(FIG4):c.1232T>C (p.Ile411Thr)

Gene: FIG4 (FIG4 phosphoinositide 5-phosphatase; plus strand). Cytogenetic location: 6q21.
Variant type: single nucleotide variant.
Coding change: c.1232T>C on transcript NM_014845.6 (MANE Select); coding-DNA position 1232, T replaced by C.
Protein change: p.Ile411Thr; replaces isoleucine 411 with threonine.
Molecular consequence: missense variant.
Genome position (GRCh38, 1-based): chr6:109,760,344, T>C. VCF-style: chr6-109760344-T-C. GRCh37 (hg19) VCF-style: chr6-110081547-T-C.
Other names: short protein forms I411T.
Identifiers: ClinVar variation 1717827 (VCV001717827.3), dbSNP rs991272081, ClinGen allele CA145154662.

ClinVar aggregate classification (germline): Uncertain significance (1 of 4 stars; one submission).

Conditions:
Charcot-Marie-Tooth disease type 4. Also called: Charcot-Marie-Tooth, Type 4; Charcot-Marie-Tooth disease, type IV. Identifiers: Orphanet 64749, MedGen C4082197, MONDO:0018995.

Allele frequency attached by ClinVar (database versions not stated): gnomAD exomes 0.00002.
gnomAD v4.1: 10 of 1,612,982 alleles (0.00062%); highest among the groups gnomAD compares: East Asian, 0.022%; no homozygotes.

Submission:

Labcorp Genetics (formerly Invitae), Labcorp
Classification: Uncertain significance for Charcot-Marie-Tooth disease type 4. Last evaluated: 2022-08-23. Review status: criteria provided, single submitter. Criteria: Invitae Variant Classification Sherloc (09022015). Collection method: clinical testing. Allele origin: germline.
Comment: This sequence change replaces isoleucine, which is neutral and non-polar, with threonine, which is neutral and polar, at codon 411 of the FIG4 protein (p.Ile411Thr). This variant is not present in population databases (gnomAD no frequency). This variant has not been reported in the literature in individuals affected with FIG4-related conditions. Algorithms developed to predict the effect of missense changes on protein structure and function are either unavailable or do not agree on the potential impact of this missense change (SIFT: "Deleterious"; PolyPhen-2: "Benign"; Align-GVGD: "Class C45"). In summary, the available evidence is currently insufficient to determine the role of this variant in disease. Therefore, it has been classified as a Variant of Uncertain Significance.